The following is an entry in ClinVar:

NM_006017.3(PROM1):c.1579-3T>G

Gene: PROM1 (prominin 1; minus strand). Cytogenetic location: 4p15.32.
Variant type: single nucleotide variant.
Coding change: c.1579-3T>G on transcript NM_006017.3 (MANE Select); 3 bases into the intron before coding-DNA position 1579, T replaced by G.
Molecular consequence: intron variant.
Genome position (GRCh38, 1-based): chr4:15,998,491, A>C on the plus strand (T>G on the coding strand, the complement: PROM1 is on the minus strand). VCF-style: chr4-15998491-A-C. GRCh37 (hg19) VCF-style: chr4-16000114-A-C.
Other names: c.1552-3T>G (NM_001145848.2, NM_001145852.2, NM_001145847.2 and 4 more transcripts); c.1579-3T>G (NM_001145850.2, NM_001145849.2).
Identifiers: ClinVar variation 1405786 (VCV001405786.7), dbSNP rs1355865032, ClinGen allele CA2573137560.

ClinVar aggregate classification (germline): Uncertain significance. Review status: criteria provided, single submitter (1 of 4 stars). 2 submissions from 2 submitters: Uncertain significance (1). 1 of the submissions does not count toward it. Last evaluated 2021-07-28.

Conditions:
Stargardt disease (FFM). Also called: Stargardt's disease; Fundus flavimaculatus. Identifiers: Orphanet 827, MedGen C0271093, MONDO:0019353.

Submissions (2):

Labcorp Genetics (formerly Invitae), Labcorp
Classification: Uncertain significance. Last evaluated: 2021-07-28. Review status: criteria provided, single submitter. Criteria: Invitae Variant Classification Sherloc (09022015). Collection method: clinical testing. Allele origin: germline.
Comment: In summary, the available evidence is currently insufficient to determine the role of this variant in disease. Therefore, it has been classified as a Variant of Uncertain Significance. Nucleotide substitutions within the consensus splice site are a relatively common cause of aberrant splicing (PMID: 17576681, 9536098). Algorithms developed to predict the effect of sequence changes on RNA splicing suggest that this variant may disrupt the consensus splice site. This variant has been observed in individual(s) with clinical features of autosomal recessive Stargardt disease (Invitae). This variant is not present in population databases (ExAC no frequency). This sequence change falls in intron 13 of the PROM1 gene. It does not directly change the encoded amino acid sequence of the PROM1 protein. It affects a nucleotide within the consensus splice site of the intron.

Ophthalmo-Genetics Lab, Instituto de Oftalmologia Conde de Valenciana
Classification: Pathogenic for Stargardt disease. Last evaluated: 2022-12-13. Review status: no assertion criteria provided. Collection method: research. Allele origin: biparental. Inheritance: Autosomal recessive inheritance. Affected: yes. Observed: 1 compound heterozygote. Not counted in ClinVar's aggregate classification.

Literature cited by the submitters: PubMed 17576681 (cited by Labcorp Genetics (formerly Invitae), Labcorp); PubMed 9536098 (cited by Labcorp Genetics (formerly Invitae), Labcorp); PubMed 30578500 (cited by Ophthalmo-Genetics Lab, Instituto de Oftalmologia Conde de Valenciana).